The following is an entry in ClinVar:

NM_006885.4(ZFHX3):c.5689G>T (p.Glu1897Ter)

Genes: ZFHX3 (zinc finger homeobox 3; minus strand), ZFHX3-AS1 (ZFHX3 antisense RNA 1; plus strand). Cytogenetic location: 16q22.2.
Variant type: single nucleotide variant.
Coding change: c.5689G>T on transcript NM_006885.4 (MANE Select); coding-DNA position 5689, G replaced by T.
Protein change: p.Glu1897Ter; replaces glutamic acid 1897 with a stop codon.
Molecular consequence: nonsense.
Genome position (GRCh38, 1-based): chr16:72,796,993, C>A on the plus strand (G>T on the coding strand, the complement: ZFHX3 is on the minus strand). VCF-style: chr16-72796993-C-A. GRCh37 (hg19) VCF-style: chr16-72830892-C-A.
Other names: c.2947G>T, p.Glu983Ter (NM_001164766.2); c.5689G>T, p.Glu1897Ter (NM_001386735.1); short protein forms E1897*, E983*.
Identifiers: ClinVar variation 4607406 (VCV004607406.1).

ClinVar aggregate classification (germline): Pathogenic (1 of 4 stars; one submission).

Submission:

Ambry Genetics
Classification: Pathogenic. Last evaluated: 2025-11-05. Review status: criteria provided, single submitter. Criteria: Ambry Variant Classification Scheme 2023. Collection method: clinical testing. Allele origin: germline.
Comment: The c.5689G>T (p.E1897*) alteration, located in exon 9 (coding exon 8) of the ZFHX3 gene, consists of a G to T substitution at nucleotide position 5689. This changes the amino acid from a glutamic acid (E) to a stop codon at amino acid position 1897. This alteration is expected to result in loss of function by premature protein truncation or nonsense-mediated mRNA decay. This variant was not reported in population-based cohorts in the Genome Aggregation Database (gnomAD). Based on the available evidence, this alteration is classified as pathogenic.